The following is an entry in ClinVar:

NM_002661.5(PLCG2):c.2207C>T (p.Thr736Ile)

Gene: PLCG2 (phospholipase C gamma 2; plus strand). Cytogenetic location: 16q23.3.
Variant type: single nucleotide variant.
Coding change: c.2207C>T on transcript NM_002661.5 (MANE Select); coding-DNA position 2207, C replaced by T.
Protein change: p.Thr736Ile; replaces threonine 736 with isoleucine.
Molecular consequence: missense variant.
Genome position (GRCh38, 1-based): chr16:81,919,636, C>T. VCF-style: chr16-81919636-C-T. GRCh37 (hg19) VCF-style: chr16-81953241-C-T.
Other names: short protein forms T736I.
Identifiers: ClinVar variation 2146512 (VCV002146512.5), dbSNP rs779487061, ClinGen allele CA8194116.

ClinVar aggregate classification (germline): Uncertain significance. Review status: criteria provided, multiple submitters, no conflicts (2 of 4 stars). 2 submissions from 2 submitters: Uncertain significance (2). Last evaluated 2025-10-27.

Conditions:
Familial cold autoinflammatory syndrome 3 (FCAS3). Also called: ANTIBODY DEFICIENCY AND IMMUNE DYSREGULATION, PLCG2-ASSOCIATED; FAMILIAL ATYPICAL COLD URTICARIA. Identifiers: Orphanet 300359, MedGen C3280914, MONDO:0013766, OMIM 614468.

Allele frequency attached by ClinVar (database versions not stated): TOPMed 0.00001; ExAC 0.00003; gnomAD exomes 0.00003.
gnomAD v4.1: 39 of 1,613,968 alleles (0.0024%); highest among the groups gnomAD compares: South Asian, 0.03%; no homozygotes.

Submissions (2):

Labcorp Genetics (formerly Invitae), Labcorp
Classification: Uncertain significance for Familial cold autoinflammatory syndrome 3. Last evaluated: 2025-10-27. Review status: criteria provided, single submitter. Criteria: Invitae Variant Classification Sherloc (09022015). Collection method: clinical testing. Allele origin: germline.
Comment: This sequence change replaces threonine, which is neutral and polar, with isoleucine, which is neutral and non-polar, at codon 736 of the PLCG2 protein (p.Thr736Ile). This variant is present in population databases (rs779487061, gnomAD 0.01%). This variant has not been reported in the literature in individuals affected with PLCG2-related conditions. ClinVar contains an entry for this variant (Variation ID: 2146512). An algorithm developed to predict the effect of missense changes on protein structure and function (PolyPhen-2) suggests that this variant is likely to be disruptive. In summary, the available evidence is currently insufficient to determine the role of this variant in disease. Therefore, it has been classified as a Variant of Uncertain Significance.

Blueprint Genetics
Classification: Uncertain significance. Last evaluated: 2022-11-18. Review status: criteria provided, single submitter. Criteria: ACMG Guidelines, 2015. Collection method: clinical testing. Allele origin: germline.